The following is an entry in ClinVar:

NM_015215.4(CAMTA1):c.1132dup (p.Val378fs)

Gene: CAMTA1 (calmodulin binding transcription activator 1; plus strand). Cytogenetic location: 1p36.23.
Variant type: Duplication.
Coding change: c.1132dup on transcript NM_015215.4 (MANE Select); coding-DNA position 1132, one base duplicated (G; older notation c.1132dupG).
Protein change: p.Val378fs; shifts the reading frame from valine 378.
Molecular consequence: frameshift variant.
Genome position (GRCh38, 1-based): chr1:7,663,679, G duplicated; the last of 2 consecutive G bases (chr1:7,663,678-7,663,679); duplicating either gives the same sequence. VCF-style (leftmost placement, unchanged base first): chr1-7663677-T-TG. GRCh37 (hg19) VCF-style: chr1-7723737-T-TG.
Other names: c.1042dup, p.Val348fs (NM_001349608.2, NM_001349612.2); c.1132dup, p.Val378fs (NM_001349609.2, NM_001349610.2); short protein forms V378fs, V348fs.
Identifiers: ClinVar variation 418106 (VCV000418106.2), dbSNP rs1553239242, ClinGen allele CA16617189.

ClinVar aggregate classification (germline): Pathogenic (1 of 4 stars; one submission).

Submission:

GeneDx
Classification: Pathogenic. Last evaluated: 2017-01-03. Review status: criteria provided, single submitter. Criteria: GeneDx Variant Classification (06012015). Collection method: clinical testing. Allele origin: germline. Affected: yes.
Comment: The c.1132dupG variant in the CAMTA1 gene has not been reported previously as a pathogenic variant nor as a benign variant, to our knowledge. The c.1132dupG variant was not observed in approximately 6500 individuals of European and African American ancestry in the NHLBI Exome Sequencing Project, indicating it is not a common benign variant in these populations. The c.1132dupG variant causes a frameshift starting with codon Valine 378, changes this amino acid to a Glycine residue and creates a premature Stop codon at position 30 of the new reading frame, denoted p.Val378GlyfsX30. This variant is predicted to cause loss of normal protein function either through protein truncation or nonsense-mediated mRNA decay. We interpret c.1132dupG as a pathogenic variant.